The following is an entry in ClinVar:

ClinVar aggregate classification (germline): Uncertain significance. Review status: criteria provided, multiple submitters, no conflicts (2 of 4 stars). 4 submissions from 4 submitters: Uncertain significance (4). Last evaluated 2026-04-02.

Conditions:
Hereditary cancer-predisposing syndrome. Also called: Neoplastic Syndromes, Hereditary; Hereditary neoplastic syndrome; Hereditary Cancer Syndrome; Tumor predisposition. Identifiers: Orphanet 140162, MedGen C0027672, MeSH D009386, MONDO:0015356.
Microcephaly, normal intelligence and immunodeficiency (NBS). Also called: IMMUNODEFICIENCY, MICROCEPHALY, AND CHROMOSOMAL INSTABILITY; Nijmegen breakage syndrome; Microcephaly with normal intelligence immunodeficiency and lymphoreticular malignancies; Nonsyndromal microcephaly autosomal recessive with normal intelligence; Seemanova syndrome 2; SEEMANOVA SYNDROME II. Identifiers: Orphanet 647, MedGen C0398791, MONDO:0009623, OMIM 251260.

Submissions (4):

Myriad Genetics, Inc.
Classification: Uncertain significance for Microcephaly, normal intelligence and immunodeficiency. Last evaluated: 2026-04-02. Review status: criteria provided, single submitter. Criteria: Myriad Autosomal Dominant, Autosomal Recessive and X-Linked Classification Criteria (2023). Collection method: clinical testing. Allele origin: unknown.
Comment: NM_002485.4(NBN):c.199A>G(T67A) is a missense variant classified as a variant of uncertain significance in the context of Nijmegen breakage syndrome. T67A has not been observed in cases with relevant disease. Relevant functional assessments of this variant are not available in the literature. T67A has not been observed in referenced population frequency databases. In summary, there is insufficient evidence to classify NM_002485.4(NBN):c.199A>G(T67A) as pathogenic or benign. Please note: this variant was assessed in the context of healthy population screening.

Labcorp Genetics (formerly Invitae), Labcorp
Classification: Uncertain significance for Microcephaly, normal intelligence and immunodeficiency. Last evaluated: 2025-11-22. Review status: criteria provided, single submitter. Criteria: Invitae Variant Classification Sherloc (09022015). Collection method: clinical testing. Allele origin: germline.
Comment: This sequence change replaces threonine, which is neutral and polar, with alanine, which is neutral and non-polar, at codon 67 of the NBN protein (p.Thr67Ala). This variant is not present in population databases (gnomAD no frequency). This variant has not been reported in the literature in individuals affected with NBN-related conditions. ClinVar contains an entry for this variant (Variation ID: 234203). An algorithm developed to predict the effect of missense changes on protein structure and function (PolyPhen-2) suggests that this variant is likely to be disruptive. In summary, the available evidence is currently insufficient to determine the role of this variant in disease. Therefore, it has been classified as a Variant of Uncertain Significance.

Ambry Genetics
Classification: Uncertain significance for Hereditary cancer-predisposing syndrome. Last evaluated: 2024-02-28. Review status: criteria provided, single submitter. Criteria: Ambry Variant Classification Scheme 2023. Collection method: clinical testing. Allele origin: germline.
Comment: The p.T67A variant (also known as c.199A>G), located in coding exon 3 of the NBN gene, results from an A to G substitution at nucleotide position 199. The threonine at codon 67 is replaced by alanine, an amino acid with similar properties. This amino acid position is well conserved in available vertebrate species. In addition, this alteration is predicted to be tolerated by in silico analysis. Since supporting evidence is limited at this time, the clinical significance of this alteration remains unclear.

Genome-Nilou Lab
Classification: Uncertain significance for Microcephaly, normal intelligence and immunodeficiency. Last evaluated: 2021-11-07. Review status: criteria provided, single submitter. Criteria: ACMG Guidelines, 2015. Collection method: clinical testing. Allele origin: germline. Affected: no.

NM_002485.5(NBN):c.199A>G (p.Thr67Ala)

Gene: NBN (nibrin; minus strand). Cytogenetic location: 8q21.3.
Variant type: single nucleotide variant.
Coding change: c.199A>G on transcript NM_002485.5 (MANE Select); coding-DNA position 199, A replaced by G.
Protein change: p.Thr67Ala; replaces threonine 67 with alanine.
Molecular consequence: missense variant. On other transcripts: 5 prime UTR variant (1).
Genome position (GRCh38, 1-based): chr8:89,981,496, T>C on the plus strand (A>G on the coding strand, the complement: NBN is on the minus strand). VCF-style: chr8-89981496-T-C. GRCh37 (hg19) VCF-style: chr8-90993724-T-C.
Other names: c.-48A>G (NM_001024688.3); short protein forms T67A.
Identifiers: ClinVar variation 234203 (VCV000234203.21), dbSNP rs876660922, ClinGen allele CA10578807.
Genomic context (GRCh38, chr8:89,981,496, plus strand): 5'-AGCCATTCTGCATTTTTTCCTCATTAACAAAGGTACCATACTTAGAATTATCTTTTAATG[T>C]CAATACAGGGATTTCATCTGTTTGACTCTGAAAAGTTAGCAAATAATTTAAAGTCTTTTA-3'
Protein context (NP_002476.2, residues 57-77): LSQTDEIPVL[Thr67Ala]LKDNSKYGTF